The following is an entry in ClinVar:

NM_001267550.2(TTN):c.56598del (p.Ile18867fs)

Genes: TTN (titin; minus strand), TTN-AS1 (TTN antisense RNA 1; plus strand). Cytogenetic location: 2q31.2.
Variant type: Deletion.
Coding change: c.56598del on transcript NM_001267550.2 (MANE Select); coding-DNA position 56598, one base deleted (C; older notation c.56598delC).
Protein change: p.Ile18867fs; shifts the reading frame from isoleucine 18867.
Molecular consequence: frameshift variant.
Genome position (GRCh38, 1-based): chr2:178,599,195, G deleted on the plus strand (C on the coding strand, the reverse complement: TTN is on the minus strand). VCF-style (leftmost placement, unchanged base first): chr2-178599194-TG-T. GRCh37 (hg19) VCF-style: chr2-179463921-TG-T.
Other names: c.29403delC (NM_003319.4); c.51675del, p.Ile17226fs (NM_001256850.1); c.29403del, p.Ile9802fs (NM_003319.4); c.48894del, p.Ile16299fs (NM_133378.4); c.29778del, p.Ile9927fs (NM_133432.3); c.29979del, p.Ile9994fs (NM_133437.4); c.56598delC (NM_001267550.2); short protein forms I17226fs, I9802fs, I9927fs, I16299fs, I18867fs, I9994fs.
Identifiers: ClinVar variation 466642 (VCV000466642.10), dbSNP rs1553664644, ClinGen allele CA658657155.
Genomic context (GRCh38, chr2:178,599,194, plus strand): 5'-TCTCCTACTTACAGAAGAGGTTTCTTGCTGTTTCAGGTTCACTGTCAAGAGGTTCTCCAA[TG>T]CCATATTTATTCTGGGCCATGATTCGGAATACATATTCATGGCCTTCTAGCAATTTGGGA-3'

ClinVar aggregate classification (germline): Likely pathogenic. Review status: criteria provided, multiple submitters, no conflicts (2 of 4 stars). 2 submissions from 2 submitters: Likely pathogenic (2). Last evaluated 2024-04-10.

Conditions:
Cardiovascular phenotype. Identifiers: MedGen CN230736.
Autosomal recessive limb-girdle muscular dystrophy type 2J (LGMDR10). Also called: Limb-girdle muscular dystrophy, type 2J; MUSCULAR DYSTROPHY, LIMB-GIRDLE, AUTOSOMAL RECESSIVE 10. Identifiers: Orphanet 140922, MedGen C1837342, MONDO:0012127, OMIM 608807.
Dilated cardiomyopathy 1G (CMD1G). Identifiers: Orphanet 154, MedGen C1858763, MONDO:0011400, OMIM 604145.

Submissions (2):

Ambry Genetics
Classification: Likely pathogenic for Cardiovascular phenotype. Last evaluated: 2024-04-10. Review status: criteria provided, single submitter. Criteria: Ambry Variant Classification Scheme 2023. Collection method: clinical testing. Allele origin: germline.
Comment: The c.29403delC variant, located in coding exon 117 of the TTN gene, results from a deletion of one nucleotide at nucleotide position 29403, causing a translational frameshift with a predicted alternate stop codon (p.I9802Lfs*30). This exon is located in the A-band region of the N2-B isoform of the titin protein and is constitutively expressed in TTN transcripts (percent spliced in or PSI 100%). This variant is considered to be rare based on population cohorts in the Genome Aggregation Database (gnomAD). This alteration is expected to result in loss of function by premature protein truncation or nonsense-mediated mRNA decay. While truncating variants in TTN are present in 1-3% of the general population, truncating variants in the A-band are the most common cause of dilated cardiomyopathy (DCM) (Herman DS et al. N. Engl. J. Med., 2012 Feb;366:619-28; Roberts AM et al. Sci Transl Med, 2015 Jan;7:270ra6). TTN truncating variants encoded in constitutive exons (PSI >90%) have been found to be significantly associated with DCM regardless of their position in titin (Schafer S et al. Nat. Genet., 2017 01;49:46-53). Based on the majority of available evidence to date, this variant is likely to be pathogenic.

Labcorp Genetics (formerly Invitae), Labcorp
Classification: Likely pathogenic for Dilated cardiomyopathy 1G; Autosomal recessive limb-girdle muscular dystrophy type 2J. Last evaluated: 2020-01-30. Review status: criteria provided, single submitter. Criteria: Invitae Variant Classification Sherloc (09022015). Collection method: clinical testing. Allele origin: germline.
Comment: This sequence change results in a premature translational stop signal in the TTN gene (p.Ile18867Leufs*30). While this is not anticipated to result in nonsense mediated decay, It is expected to result in a disrupted protein product. For these reasons, this variant has been classified as Likely Pathogenic. This variant is found in the A-band of this gene. While this particular variant has not been reported in the literature, truncating variants in the A-band of TTN are significantly overrepresented in patients with dilated cardiomyopathy and are considered to be likely pathogenic for the disease (PMID: 25589632). This variant has not been reported in the literature in individuals with TTN-related disease. ClinVar contains an entry for this variant (Variation ID: 466642). This variant is not present in population databases (ExAC no frequency).

Literature cited by the submitters: PubMed 25589632 (cited by Labcorp Genetics (formerly Invitae), Labcorp).